The following is an entry in ClinVar:

ClinVar aggregate classification (germline): Uncertain significance (1 of 4 stars; one submission).

gnomAD v4.1: 111 of 1,599,984 alleles (0.0069%); highest among the groups gnomAD compares: Non-Finnish European, 0.0091%; no homozygotes.

Submission:

GeneDx
Classification: Uncertain significance. Last evaluated: 2023-08-01. Review status: criteria provided, single submitter. Criteria: GeneDx Variant Classification Process June 2021. Collection method: clinical testing. Allele origin: germline. Affected: yes.
Comment: Has not been previously published as pathogenic or benign to our knowledge; Not observed at significant frequency in large population cohorts (gnomAD); In silico analysis supports that this missense variant does not alter protein structure/function

NM_001397406.1(FDX2):c.131A>G (p.Lys44Arg)

Genes: FDX2 (ferredoxin 2; minus strand), FDX2-ZGLP1 (FDX2-ZGLP1 readthrough; minus strand). Cytogenetic location: 19p13.2.
Variant type: single nucleotide variant.
Coding change: c.131A>G on transcript NM_001397406.1 (MANE Select); coding-DNA position 131, A replaced by G.
Protein change: p.Lys44Arg; replaces lysine 44 with arginine.
Molecular consequence: missense variant. On other transcripts: non-coding transcript variant (2).
Genome position (GRCh38, 1-based): chr19:10,315,866, T>C on the plus strand (A>G on the coding strand, the complement: FDX2 is on the minus strand). VCF-style: chr19-10315866-T-C. GRCh37 (hg19) VCF-style: chr19-10426542-T-C.
Other names: c.140A>G (NM_001031734.3); short protein forms K44R.
Identifiers: ClinVar variation 3361808 (VCV003361808.1).
Genomic context (GRCh38, chr19:10,315,866, plus strand): 5'-CGGCATCTGACGGATTAACGCTGCCCGCCCCGGGCGCCCCAGGTACCTGTCGCTTGAAAC[T>C]TTCTGGTTGTCCCCAGCGCCACCCCCTCCCCCGACCCGGAAGTGCCCCCAGGTCTGTTCC-3'
Protein context (NP_001384335.1, residues 34-54): GEGVALGTTR[Lys44Arg]FQATGSRPAG